The following is an entry in ClinVar:

NM_001267550.2(TTN):c.102658T>G (p.Ser34220Ala)

Genes: TTN (titin; minus strand), TTN-AS1 (TTN antisense RNA 1; plus strand). Cytogenetic location: 2q31.2.
Variant type: single nucleotide variant.
Coding change: c.102658T>G on transcript NM_001267550.2 (MANE Select); coding-DNA position 102658, T replaced by G.
Protein change: p.Ser34220Ala; replaces serine 34220 with alanine.
Molecular consequence: missense variant.
Genome position (GRCh38, 1-based): chr2:178,533,957, A>C on the plus strand (T>G on the coding strand, the complement: TTN is on the minus strand). VCF-style: chr2-178533957-A-C. GRCh37 (hg19) VCF-style: chr2-179398684-A-C.
Other names: c.97735T>G, p.Ser32579Ala (NM_001256850.1); c.75463T>G, p.Ser25155Ala (NM_003319.4); c.94954T>G, p.Ser31652Ala (NM_133378.4); c.75838T>G, p.Ser25280Ala (NM_133432.3); c.76039T>G, p.Ser25347Ala (NM_133437.4); short protein forms S25280A, S25155A, S25347A, S31652A, S32579A, S34220A.
Identifiers: ClinVar variation 1759457 (VCV001759457.2), dbSNP rs763863092, ClinGen allele CA1985722.

ClinVar aggregate classification (germline): Uncertain significance (1 of 4 stars; one submission).

Conditions:
Cardiovascular phenotype. Identifiers: MedGen CN230736.

Allele frequency attached by ClinVar (database versions not stated): ExAC 0.00001; gnomAD exomes 0.00001; gnomAD 0.00006.
gnomAD v4.1: 12 of 1,613,784 alleles (0.00074%); highest among the groups gnomAD compares: African/African-American, 0.016%; no homozygotes.

Submission:

Ambry Genetics
Classification: Uncertain significance for Cardiovascular phenotype. Last evaluated: 2020-08-19. Review status: criteria provided, single submitter. Criteria: Ambry Variant Classification Scheme 2023. Collection method: clinical testing. Allele origin: germline.
Comment: The p.S25155A variant (also known as c.75463T>G), located in coding exon 185 of the TTN gene, results from a T to G substitution at nucleotide position 75463. The serine at codon 25155 is replaced by alanine, an amino acid with similar properties. This amino acid position is well conserved in available vertebrate species; however, alanine is the reference amino acid in other vertebrate species. In addition, this alteration is predicted to be tolerated by in silico analysis. Since supporting evidence is limited at this time, the clinical significance of this alteration remains unclear.